The following is an entry in ClinVar:

NM_201384.3(PLEC):c.12892A>T (p.Met4298Leu)

Gene: PLEC (plectin; minus strand). Cytogenetic location: 8q24.3.
Variant type: single nucleotide variant.
Coding change: c.12892A>T on transcript NM_201384.3 (MANE Select); coding-DNA position 12892, A replaced by T.
Protein change: p.Met4298Leu; replaces methionine 4298 with leucine.
Molecular consequence: missense variant.
Genome position (GRCh38, 1-based): chr8:143,916,929, T>A on the plus strand (A>T on the coding strand, the complement: PLEC is on the minus strand). VCF-style: chr8-143916929-T-A. GRCh37 (hg19) VCF-style: chr8-144991097-T-A.
Other names: c.12826A>T, p.Met4276Leu (NM_201379.3); c.13303A>T, p.Met4435Leu (NM_201380.4); c.12796A>T, p.Met4266Leu (NM_201381.3); c.12892A>T, p.Met4298Leu (NM_201382.4); c.12904A>T, p.Met4302Leu (NM_201383.3); c.12973A>T (NM_000445.3); c.12973A>T, p.Met4325Leu (NM_000445.5); c.9592A>T, p.Met3198Leu (NM_001410941.1); and 1 more; short protein forms M4325L, M3198L, M4266L, M4276L, M4435L, M4284L, M4298L, M4302L.
Identifiers: ClinVar variation 2036946 (VCV002036946.5), dbSNP rs2539180581, ClinGen allele CA372478134.
Genomic context (GRCh38, chr8:143,916,929, plus strand): 5'-TGCAGGCCTGCGCCTCCAGCAGCCGCTGCCCCGTGATGTTATCCACCAGGTTCCGGTGCA[T>A]GGCCTCGGTGATGGACACCTTCTCCAGCGTCTCCGTGTCCAGGATGCCAGCCACGGGGCC-3'
Protein context (NP_958786.1, residues 4288-4308): TLEKVSITEA[Met4298Leu]HRNLVDNITG

ClinVar aggregate classification (germline): Uncertain significance. Review status: criteria provided, multiple submitters, no conflicts (2 of 4 stars). 2 submissions from 2 submitters: Uncertain significance (2). Last evaluated 2024-10-07.

Conditions:
Epidermolysis bullosa simplex, Ogna type (EBS5A). Also called: Pidermolysis bullosa simplex 5A, Ogna type; EPIDERMOLYSIS BULLOSA SIMPLEX 5A, OGNA TYPE. Identifiers: Orphanet 79401, MedGen C0432317, MONDO:0007555, OMIM 131950.
Epidermolysis bullosa simplex 5C, with pyloric atresia (EBS5C). Also called: PLEC-Related Epidermolysis Bullosa with Pyloric Atresia; Epidermolysis bullosa simplex with pyloric atresia; PLEC1-Related Epidermolysis Bullosa with Pyloric Atresia. Identifiers: Orphanet 158684, MedGen C2677349, MONDO:0012807, OMIM 612138.
Autosomal recessive limb-girdle muscular dystrophy type 2Q (LGMDR17). Also called: MUSCULAR DYSTROPHY, LIMB-GIRDLE, AUTOSOMAL RECESSIVE 17. Identifiers: Orphanet 254361, MedGen C3150989, MONDO:0013390, OMIM 613723.
Epidermolysis bullosa simplex 5B, with muscular dystrophy (EBS5B). Also called: Epidermolysis bullosa simplex with muscular dystrophy; EPIDERMOLYSIS BULLOSA SIMPLEX AND LIMB-GIRDLE MUSCULAR DYSTROPHY. Identifiers: Orphanet 257, MedGen C2931072, MONDO:0009181, OMIM 226670.
Epidermolysis bullosa simplex with nail dystrophy (EBS5D). Identifiers: MedGen C4225309, MONDO:0014661, OMIM 616487.
Inborn genetic diseases. Identifiers: MedGen C0950123, MeSH D030342.

Allele frequency attached by ClinVar (database versions not stated): gnomAD exomes below 0.00001.
gnomAD v4.1: 2 of 1,612,874 alleles (0.00012%); highest among the groups gnomAD compares: Non-Finnish European, 0.00017%; no homozygotes.

Submissions (2):

Ambry Genetics
Classification: Uncertain significance for Inborn genetic diseases. Last evaluated: 2024-10-07. Review status: criteria provided, single submitter. Criteria: Ambry Variant Classification Scheme 2023. Collection method: clinical testing. Allele origin: germline.

Labcorp Genetics (formerly Invitae), Labcorp
Classification: Uncertain significance for Autosomal recessive limb-girdle muscular dystrophy type 2Q; Epidermolysis bullosa simplex, Ogna type; Epidermolysis bullosa simplex with nail dystrophy; Epidermolysis bullosa simplex 5C, with pyloric atresia; Epidermolysis bullosa simplex 5B, with muscular dystrophy. Last evaluated: 2024-10-03. Review status: criteria provided, single submitter. Criteria: Invitae Variant Classification Sherloc (09022015). Collection method: clinical testing. Allele origin: germline.
Comment: This sequence change replaces methionine, which is neutral and non-polar, with leucine, which is neutral and non-polar, at codon 4325 of the PLEC protein (p.Met4325Leu). This variant is not present in population databases (gnomAD no frequency). This variant has not been reported in the literature in individuals affected with PLEC-related conditions. ClinVar contains an entry for this variant (Variation ID: 2036946). Invitae Evidence Modeling of protein sequence and biophysical properties (such as structural, functional, and spatial information, amino acid conservation, physicochemical variation, residue mobility, and thermodynamic stability) indicates that this missense variant is not expected to disrupt PLEC protein function with a negative predictive value of 80%. In summary, the available evidence is currently insufficient to determine the role of this variant in disease. Therefore, it has been classified as a Variant of Uncertain Significance.